The following is an entry in ClinVar:

ClinVar aggregate classification (germline): Uncertain significance (1 of 4 stars; one submission).

Conditions:
Cutis laxa, X-linked (OHS). Also called: EDS IX; Occipital horn syndrome. Identifiers: Orphanet 198, MedGen C0268353, MONDO:0010572, OMIM 304150.
X-linked distal spinal muscular atrophy type 3. Also called: ATP7A-Related Distal Motor Neuropathy; SPINAL MUSCULAR ATROPHY, DISTAL, X-LINKED RECESSIVE; NEURONOPATHY, DISTAL HEREDITARY MOTOR, X-LINKED; NEUROPATHY, DISTAL HEREDITARY MOTOR, X-LINKED. Identifiers: Orphanet 139557, MedGen C1845359, MONDO:0010338, OMIM 300489.
Menkes kinky-hair syndrome (MNK). Also called: Classic Menkes Disease; Copper transport disease; Menkes Disease. Identifiers: Orphanet 565, MedGen C0022716, MONDO:0010651, OMIM 309400.

Submission:

Labcorp Genetics (formerly Invitae), Labcorp
Classification: Uncertain significance for X-linked distal spinal muscular atrophy type 3; Cutis laxa, X-linked; Menkes kinky-hair syndrome. Last evaluated: 2022-03-22. Review status: criteria provided, single submitter. Criteria: Invitae Variant Classification Sherloc (09022015). Collection method: clinical testing. Allele origin: germline.
Comment: In summary, the available evidence is currently insufficient to determine the role of this variant in disease. Therefore, it has been classified as a Variant of Uncertain Significance. Algorithms developed to predict the effect of missense changes on protein structure and function are either unavailable or do not agree on the potential impact of this missense change (SIFT: "Deleterious"; PolyPhen-2: "Possibly Damaging"; Align-GVGD: "Class C0"). This variant has not been reported in the literature in individuals affected with ATP7A-related conditions. This variant is not present in population databases (gnomAD no frequency). This sequence change replaces methionine, which is neutral and non-polar, with isoleucine, which is neutral and non-polar, at codon 1388 of the ATP7A protein (p.Met1388Ile).

NM_000052.7(ATP7A):c.4164G>A (p.Met1388Ile)

Gene: ATP7A (ATPase copper transporting alpha; plus strand). Cytogenetic location: Xq21.1.
Variant type: single nucleotide variant.
Coding change: c.4164G>A on transcript NM_000052.7 (MANE Select); coding-DNA position 4164, G replaced by A.
Protein change: p.Met1388Ile; replaces methionine 1388 with isoleucine.
Molecular consequence: missense variant. On other transcripts: non-coding transcript variant (1).
Genome position (GRCh38, 1-based): chrX:78,045,510, G>A. VCF-style: chrX-78045510-G-A. GRCh37 (hg19) VCF-style: chrX-77301007-G-A.
Other names: c.3930G>A, p.Met1310Ile (NM_001282224.2); short protein forms M1388I, M1310I.
Identifiers: ClinVar variation 1464654 (VCV001464654.6), dbSNP rs2149113528, ClinGen allele CA413605819.
Genomic context (GRCh38, chrX:78,045,510, plus strand): 5'-AATCCATACTTGTTTCTTAGGAGTTTTTATGCCCATTGGTTTGGTTTTGCAGCCCTGGAT[G>A]GGATCTGCAGCAATGGCTGCTTCATCTGTTTCTGTAGTACTTTCTTCTCTCTTCCTTAAA-3'
Protein context (NP_000043.4, residues 1378-1398): MPIGLVLQPW[Met1388Ile]GSAAMAASSV